The following is an entry in ClinVar:

NM_001177701.3(IFT27):c.132G>T (p.Leu44Phe)

Gene: IFT27 (intraflagellar transport 27; minus strand). Cytogenetic location: 22q12.3.
Variant type: single nucleotide variant.
Coding change: c.132G>T on transcript NM_001177701.3 (MANE Select); coding-DNA position 132, G replaced by T.
Protein change: p.Leu44Phe; replaces leucine 44 with phenylalanine.
Molecular consequence: missense variant.
Genome position (GRCh38, 1-based): chr22:36,767,348, C>A on the plus strand (G>T on the coding strand, the complement: IFT27 is on the minus strand). VCF-style: chr22-36767348-C-A. GRCh37 (hg19) VCF-style: chr22-37163392-C-A.
Other names: c.132G>T, p.Leu44Phe (NM_001363003.2); c.129G>T, p.Leu43Phe (NM_006860.5); short protein forms L44F, L43F.
Identifiers: ClinVar variation 1035627 (VCV001035627.8), dbSNP rs746871892, ClinGen allele CA10212512.

ClinVar aggregate classification (germline): Uncertain significance. Review status: criteria provided, multiple submitters, no conflicts (2 of 4 stars). 2 submissions from 2 submitters: Uncertain significance (2). Last evaluated 2025-11-12.

Allele frequency attached by ClinVar (database versions not stated): gnomAD exomes below 0.00001 and 0.00001; TOPMed below 0.00001; ExAC 0.00001; gnomAD 0.00002.
gnomAD v4.1: 23 of 1,613,472 alleles (0.0014%); highest among the groups gnomAD compares: Non-Finnish European, 0.0017%; no homozygotes.

Submissions (2):

Labcorp Genetics (formerly Invitae), Labcorp
Classification: Uncertain significance. Last evaluated: 2025-11-12. Review status: criteria provided, single submitter. Criteria: Invitae Variant Classification Sherloc (09022015). Collection method: clinical testing. Allele origin: germline.
Comment: This sequence change replaces leucine, which is neutral and non-polar, with phenylalanine, which is neutral and non-polar, at codon 43 of the IFT27 protein (p.Leu43Phe). The frequency data for this variant in the population databases is considered unreliable, as metrics indicate poor data quality at this position in the gnomAD database. This variant has not been reported in the literature in individuals affected with IFT27-related conditions. ClinVar contains an entry for this variant (Variation ID: 1035627). Invitae Evidence Modeling of protein sequence and biophysical properties (such as structural, functional, and spatial information, amino acid conservation, physicochemical variation, residue mobility, and thermodynamic stability) indicates that this missense variant is expected to disrupt IFT27 protein function with a positive predictive value of 95%. In summary, the available evidence is currently insufficient to determine the role of this variant in disease. Therefore, it has been classified as a Variant of Uncertain Significance.

Blueprint Genetics
Classification: Uncertain significance. Last evaluated: 2023-04-19. Review status: criteria provided, single submitter. Criteria: ACMG Guidelines, 2015. Collection method: clinical testing. Allele origin: germline.